The following is an entry in ClinVar:

ClinVar aggregate classification (germline): Uncertain significance (1 of 4 stars; one submission).

Conditions:
Hereditary pancreatitis (PCTT). Also called: Hereditary chronic pancreatitis; PRSS1-Related Hereditary Pancreatitis. Identifiers: Orphanet 676, MedGen C0238339, MONDO:0008185, OMIM 167800.

Allele frequency attached by ClinVar (database versions not stated): gnomAD 0.00001; gnomAD exomes 0.00001.
gnomAD v4.1: 20 of 1,613,932 alleles (0.0012%); highest among the groups gnomAD compares: African/African-American, 0.0027%; no homozygotes.

Submission:

Ambry Genetics
Classification: Uncertain significance for Hereditary pancreatitis. Last evaluated: 2023-03-11. Review status: criteria provided, single submitter. Criteria: Ambry Variant Classification Scheme 2023. Collection method: clinical testing. Allele origin: germline.
Comment: The p.A115V variant (also known as c.344C>T), located in coding exon 4 of the CTRC gene, results from a C to T substitution at nucleotide position 344. The alanine at codon 115 is replaced by valine, an amino acid with similar properties. This amino acid position is conserved. In addition, this alteration is predicted to be tolerated by in silico analysis. Since supporting evidence is limited at this time, the clinical significance of this alteration remains unclear.

NM_007272.3(CTRC):c.344C>T (p.Ala115Val)

Gene: CTRC (chymotrypsin C; plus strand). Cytogenetic location: 1p36.21.
Variant type: single nucleotide variant.
Coding change: c.344C>T on transcript NM_007272.3 (MANE Select); coding-DNA position 344, C replaced by T.
Protein change: p.Ala115Val; replaces alanine 115 with valine.
Molecular consequence: missense variant.
Genome position (GRCh38, 1-based): chr1:15,442,560, C>T. VCF-style: chr1-15442560-C-T. GRCh37 (hg19) VCF-style: chr1-15769056-C-T.
Other names: short protein forms A115V.
Identifiers: ClinVar variation 2497353 (VCV002497353.2), dbSNP rs1708152049, ClinGen allele CA338565709.